The following is an entry in ClinVar:

NM_003978.5(PSTPIP1):c.354+20C>T

Gene: PSTPIP1 (proline-serine-threonine phosphatase interacting protein 1; plus strand). Cytogenetic location: 15q24.3.
Variant type: single nucleotide variant.
Coding change: c.354+20C>T on transcript NM_003978.5 (MANE Select); 20 bases into the intron after coding-DNA position 354, C replaced by T.
Molecular consequence: intron variant.
Genome position (GRCh38, 1-based): chr15:77,025,624, C>T. VCF-style: chr15-77025624-C-T. GRCh37 (hg19) VCF-style: chr15-77317965-C-T.
Other names: c.354+20C>T (LRG_172t1, NM_001321135.2); c.549+20C>T (NM_001321137.1); c.327+20C>T (NM_001321136.2).
Identifiers: ClinVar variation 138822 (VCV000138822.28), dbSNP rs184279306, ClinGen allele CA292932.

ClinVar aggregate classification (germline): Benign/Likely benign. Review status: criteria provided, multiple submitters, no conflicts (2 of 4 stars). 7 submissions from 7 submitters: Benign (5); Likely benign (2). Last evaluated 2026-02-01.

Conditions:
Pyogenic arthritis-pyoderma gangrenosum-acne syndrome (PAPA). Also called: FAMILIAL RECURRENT ARTHRITIS; PAPA SYNDROME. Identifiers: Orphanet 69126, MedGen C1858361, MONDO:0011462, OMIM 604416.

Allele frequency attached by ClinVar (database versions not stated): ESP Exome Variant Server 0.00278; gnomAD 0.00523 and 0.00539; TOPMed 0.00584; ExAC 0.00588; 1000 Genomes Project 30x 0.00656; 1000 Genomes Project 0.00659.
gnomAD v4.1: 7,707 of 1,406,326 alleles (0.55%); highest among the groups gnomAD compares: Admixed American, 3.5%; 55 homozygotes.

Submissions (7):

Labcorp Genetics (formerly Invitae), Labcorp
Classification: Benign for Pyogenic arthritis-pyoderma gangrenosum-acne syndrome. Last evaluated: 2026-02-01. Review status: criteria provided, single submitter. Criteria: Invitae Variant Classification Sherloc (09022015). Collection method: clinical testing. Allele origin: germline.

Women's Health and Genetics/Laboratory Corporation of America, LabCorp
Classification: Benign. Last evaluated: 2026-01-23. Review status: criteria provided, single submitter. Criteria: LabCorp Variant Classification Summary - May 2015. Collection method: clinical testing. Allele origin: germline.

Genomic Medicine Center of Excellence, King Faisal Specialist Hospital and Research Centre
Classification: Likely benign. Last evaluated: 2025-08-18. Review status: criteria provided, single submitter. Criteria: ACMG Guidelines, 2015. Collection method: clinical testing. Allele origin: germline.

ARUP Laboratories, Molecular Genetics and Genomics, ARUP Laboratories
Classification: Benign. Last evaluated: 2025-05-28. Review status: criteria provided, single submitter. Criteria: ARUP Molecular Germline Variant Investigation Process 2024. Collection method: clinical testing. Allele origin: germline.

Blueprint Genetics
Classification: Likely benign. Last evaluated: 2024-11-26. Review status: criteria provided, single submitter. Criteria: ACMG Guidelines, 2015. Collection method: clinical testing. Allele origin: germline.

GeneDx
Classification: Benign. Last evaluated: 2011-10-27. Review status: criteria provided, single submitter. Criteria: GeneDx Variant Classification (06012015). Collection method: clinical testing. Allele origin: germline. Affected: yes.
Comment: This variant is considered likely benign or benign based on one or more of the following criteria: it is a conservative change, it occurs at a poorly conserved position in the protein, it is predicted to be benign by multiple in silico algorithms, and/or has population frequency not consistent with disease.

Breakthrough Genomics
Classification: Benign. Review status: criteria provided, single submitter. Criteria: ACMG Guidelines, 2015. Collection method: not provided. Allele origin: germline. Inheritance: Autosomal dominant inheritance. Affected: yes.